The following is an entry in ClinVar:

ClinVar aggregate classification (germline): Conflicting classifications of pathogenicity. Review status: criteria provided, conflicting classifications (1 of 4 stars). 2 submissions from 2 submitters: Uncertain significance (1); Likely benign (1). Last evaluated 2022-09-24.

Conditions:
Intellectual developmental disorder, X-linked 1. Also called: Atkin Flaitz Patil Smith syndrome; MENTAL RETARDATION, X-LINKED 18; MENTAL RETARDATION, X-LINKED 78; Intellectual disability, X-linked 1. Identifiers: Orphanet 777, MedGen C2931498, MONDO:0010656, OMIM 309530.

Allele frequency attached by ClinVar (database versions not stated): gnomAD exomes 0.00001.
gnomAD v4.1: 8 of 1,210,347 alleles (0.00066%); highest among the groups gnomAD compares: East Asian, 0.003%; no homozygotes.

Submissions (2):

Labcorp Genetics (formerly Invitae), Labcorp
Classification: Likely benign for Intellectual developmental disorder, X-linked 1. Last evaluated: 2022-09-24. Review status: criteria provided, single submitter. Criteria: Invitae Variant Classification Sherloc (09022015). Collection method: clinical testing. Allele origin: germline.

Centre for Mendelian Genomics, University Medical Centre Ljubljana
Classification: Uncertain significance for Intellectual developmental disorder, X-linked 1. Last evaluated: 2019-01-31. Review status: criteria provided, single submitter. Criteria: ACMG Guidelines, 2015. Collection method: clinical testing. Allele origin: unknown. Affected: yes.
Comment: This variant was classified as: Uncertain significance. The available evidence on this variant's pathogenicity is insufficient or conflicting. The following ACMG criteria were applied in classifying this variant: PM2. This variant was detected in hemizygous state.

NM_001111125.3(IQSEC2):c.2670C>T (p.Leu890=)

Gene: IQSEC2 (IQ motif and Sec7 domain ArfGEF 2; minus strand). Cytogenetic location: Xp11.22.
Variant type: single nucleotide variant.
Coding change: c.2670C>T on transcript NM_001111125.3 (MANE Select); coding-DNA position 2670, C replaced by T.
Protein change: p.Leu890=; no amino-acid change (leucine 890 retained).
Molecular consequence: synonymous variant.
Genome position (GRCh38, 1-based): chrX:53,247,048, G>A on the plus strand (C>T on the coding strand, the complement: IQSEC2 is on the minus strand). VCF-style: chrX-53247048-G-A. GRCh37 (hg19) VCF-style: chrX-53276230-G-A.
Other names: c.2055C>T, p.Leu685= (NM_015075.2).
Identifiers: ClinVar variation 932003 (VCV000932003.8), dbSNP rs2074317922, ClinGen allele CA516427301.